The following is an entry in ClinVar:

NC_000003.12:g.177772523_185716872dup

Genes: ABCC5 (ATP binding cassette subfamily C member 5; minus strand), ABCC5-AS1 (ABCC5 antisense RNA 1; plus strand), ABCF3 (ATP binding cassette subfamily F member 3; plus strand), ACTL6A (actin like 6A; plus strand), ALG3 (ALG3 alpha-1,3- mannosyltransferase; minus strand) and 278 more. Cytogenetic location: 3q26.32-27.2.
Variant type: Duplication.
Identifiers: ClinVar variation 224832 (VCV000224832.2).

ClinVar aggregate classification (germline): Likely pathogenic (1 of 4 stars; one submission).

Conditions:
Currarino triad. Identifiers: Orphanet 1552, MedGen C1531773, MONDO:0008305, OMIM 176450.

Submission:

Ludwig Lab, Institute of Human Genetics, University Hospital Bonn
Classification: Likely pathogenic for Currarino triad. Review status: criteria provided, single submitter. Criteria: ACMG CNV Guidelines, 2011. Collection method: research. Allele origin: de novo. Inheritance: Sporadic. Affected: yes. Observed: 1 variant allele, 1 heterozygote.

Literature cited by the submitters: PubMed 27549440.